The following is an entry in ClinVar:

ClinVar aggregate classification (germline): Uncertain significance (1 of 4 stars; one submission).

Conditions:
Hereditary pulmonary alveolar proteinosis. Also called: Pulmonary surfactant metabolism dysfunction. Identifiers: Orphanet 264675, MedGen C3711368, MONDO:0012580.

Allele frequency attached by ClinVar (database versions not stated): gnomAD exomes below 0.00001.
gnomAD v4.1: 2 of 1,613,778 alleles (0.00012%); highest among the groups gnomAD compares: Non-Finnish European, 0.00017%; no homozygotes.

Submission:

Ambry Genetics
Classification: Uncertain significance for Hereditary pulmonary alveolar proteinosis. Last evaluated: 2022-12-04. Review status: criteria provided, single submitter. Criteria: Ambry Variant Classification Scheme 2023. Collection method: clinical testing. Allele origin: germline.
Comment: The p.D713Y variant (also known as c.2137G>T), located in coding exon 14 of the ABCA3 gene, results from a G to T substitution at nucleotide position 2137. The aspartic acid at codon 713 is replaced by tyrosine, an amino acid with highly dissimilar properties. This amino acid position is conserved. In addition, the in silico prediction for this alteration is inconclusive. Since supporting evidence is limited at this time, the clinical significance of this alteration remains unclear.

NM_001089.3(ABCA3):c.2137G>T (p.Asp713Tyr)

Gene: ABCA3 (ATP binding cassette subfamily A member 3; minus strand). Cytogenetic location: 16p13.3.
Variant type: single nucleotide variant.
Coding change: c.2137G>T on transcript NM_001089.3 (MANE Select); coding-DNA position 2137, G replaced by T.
Protein change: p.Asp713Tyr; replaces aspartic acid 713 with tyrosine.
Molecular consequence: missense variant.
Genome position (GRCh38, 1-based): chr16:2,297,455, C>A on the plus strand (G>T on the coding strand, the complement: ABCA3 is on the minus strand). VCF-style: chr16-2297455-C-A. GRCh37 (hg19) VCF-style: chr16-2347456-C-A.
Other names: short protein forms D713Y.
Identifiers: ClinVar variation 2449552 (VCV002449552.2), dbSNP rs2505640070, ClinGen allele CA394330941.
Genomic context (GRCh38, chr16:2,297,455, plus strand): 5'-TGCGGTCTCCCAGCAGGTCAGCCTCGTCCATGAAGTGGGTGGTCAGCACGATGGTGCGGT[C>A]ACTTTTCTGCCGCTGAAGAAGATCCCAGATGGCCCTCCTGGAGATGGCGTCCATGCCCGA-3'
Protein context (NP_001080.2, residues 703-723): IWDLLQRQKS[Asp713Tyr]RTIVLTTHFM